The following is an entry in ClinVar:

NM_002734.5(PRKAR1A):c.440+4G>A

Gene: PRKAR1A (protein kinase cAMP-dependent type I regulatory subunit alpha; plus strand). Cytogenetic location: 17q24.2.
Variant type: single nucleotide variant.
Coding change: c.440+4G>A on transcript NM_002734.5 (MANE Select); 4 bases into the intron after coding-DNA position 440, G replaced by A.
Molecular consequence: intron variant.
Genome position (GRCh38, 1-based): chr17:68,523,820, G>A. VCF-style: chr17-68523820-G-A. GRCh37 (hg19) VCF-style: chr17-66519961-G-A.
Other names: c.440+4G>A (NM_001278433.2, NM_001369389.1, NM_212471.3 and 4 more transcripts).
Identifiers: ClinVar variation 1740334 (VCV001740334.7), dbSNP rs2143289473, ClinGen allele CA2580095058.

ClinVar aggregate classification (germline): Conflicting classifications of pathogenicity. Review status: criteria provided, conflicting classifications (1 of 4 stars). 2 submissions from 2 submitters: Uncertain significance (1); Likely benign (1). Last evaluated 2021-12-22.

Conditions:
Hereditary cancer-predisposing syndrome. Also called: Hereditary Cancer Syndrome; Hereditary neoplastic syndrome; Neoplastic Syndromes, Hereditary; Tumor predisposition. Identifiers: Orphanet 140162, MedGen C0027672, MeSH D009386, MONDO:0015356.
Carney complex, type 1 (CNC1). Also called: CARNEY COMPLEX, TYPE I; CARNEY MYXOMA-ENDOCRINE COMPLEX. Identifiers: Orphanet 1359, MedGen C2607929, MONDO:0008057, OMIM 160980.

Submissions (2):

Labcorp Genetics (formerly Invitae), Labcorp
Classification: Likely benign for Carney complex, type 1. Last evaluated: 2021-12-22. Review status: criteria provided, single submitter. Criteria: Invitae Variant Classification Sherloc (09022015). Collection method: clinical testing. Allele origin: germline.

Ambry Genetics
Classification: Uncertain significance for Hereditary cancer-predisposing syndrome. Last evaluated: 2020-12-24. Review status: criteria provided, single submitter. Criteria: Ambry Variant Classification Scheme 2023. Collection method: clinical testing. Allele origin: germline.
Comment: The c.440+4G>A intronic variant results from a G to A substitution 4 nucleotides after coding exon 3 in the PRKAR1A gene. This nucleotide position is not well conserved in available vertebrate species. In silico splice site analysis predicts that this alteration will not have any significant effect on splicing. Since supporting evidence is limited at this time, the clinical significance of this alteration remains unclear.